The following is an entry in ClinVar:

NM_001267550.2(TTN):c.72771dup (p.Ile24258fs)

Genes: TTN-AS1 (TTN antisense RNA 1; plus strand), TTN (titin; minus strand). Cytogenetic location: 2q31.2.
Variant type: Duplication.
Coding change: c.72771dup on transcript NM_001267550.2 (MANE Select); coding-DNA position 72771, one base duplicated (T; older notation c.72771dupT).
Protein change: p.Ile24258fs; shifts the reading frame from isoleucine 24258.
Molecular consequence: frameshift variant.
Genome position (GRCh38, 1-based): chr2:178,573,361, A duplicated on the plus strand (T on the coding strand, the reverse complement: TTN is on the minus strand). VCF-style (leftmost placement, unchanged base first): chr2-178573360-T-TA. GRCh37 (hg19) VCF-style: chr2-179438087-T-TA.
Other names: c.67848dup, p.Ile22617fs (NM_001256850.1); c.45576dup, p.Ile15193fs (NM_003319.4); c.65067dup, p.Ile21690fs (NM_133378.4); c.45951dup, p.Ile15318fs (NM_133432.3); c.46152dup, p.Ile15385fs (NM_133437.4); short protein forms I15385fs, I15193fs, I21690fs, I24258fs, I15318fs, I22617fs.
Identifiers: ClinVar variation 2950439 (VCV002950439.3), dbSNP rs2468581727, ClinGen allele CA2740096031.

ClinVar aggregate classification (germline): Likely pathogenic (1 of 4 stars; one submission).

Conditions:
Dilated cardiomyopathy 1G (CMD1G). Identifiers: Orphanet 154, MedGen C1858763, MONDO:0011400, OMIM 604145.
Autosomal recessive limb-girdle muscular dystrophy type 2J (LGMDR10). Also called: Limb-girdle muscular dystrophy, type 2J; MUSCULAR DYSTROPHY, LIMB-GIRDLE, AUTOSOMAL RECESSIVE 10. Identifiers: Orphanet 140922, MedGen C1837342, MONDO:0012127, OMIM 608807.

Submission:

Labcorp Genetics (formerly Invitae), Labcorp
Classification: Likely pathogenic for Dilated cardiomyopathy 1G; Autosomal recessive limb-girdle muscular dystrophy type 2J. Last evaluated: 2023-07-29. Review status: criteria provided, single submitter. Criteria: Invitae Variant Classification Sherloc (09022015). Collection method: clinical testing. Allele origin: germline.
Comment: In summary, the currently available evidence indicates that the variant is pathogenic, but additional data are needed to prove that conclusively. Therefore, this variant has been classified as Likely Pathogenic. This variant is located in the A band of TTN (PMID: 25589632). Truncating variants in this region are significantly overrepresented in patients affected with dilated cardiomyopathy (PMID: 25589632). Truncating variants in this region have also been reported in individuals affected with autosomal recessive centronuclear myopathy (PMID: 23975875). This variant has not been reported in the literature in individuals affected with TTN-related conditions. This variant is not present in population databases (gnomAD no frequency). This sequence change creates a premature translational stop signal (p.Ile24258Tyrfs*6) in the TTN gene. While this is not anticipated to result in nonsense mediated decay, it is expected to create a truncated TTN protein.

Literature cited by the submitters: PubMed 25589632; PubMed 23975875.